The following is an entry in ClinVar:

ClinVar aggregate classification (germline): Pathogenic (1 of 4 stars; one submission).

Conditions:
Early-infantile DEE. Also called: Ohtahara syndrome; Early infantile epileptic encephalopathy; Early infantile epileptic encephalopathy with suppression bursts. Identifiers: Orphanet 1934, MedGen C0393706, MONDO:0800491.

Submission:

Labcorp Genetics (formerly Invitae), Labcorp
Classification: Pathogenic for Early-infantile DEE. Last evaluated: 2021-05-26. Review status: criteria provided, single submitter. Criteria: Invitae Variant Classification Sherloc (09022015). Collection method: clinical testing. Allele origin: germline.
Comment: For these reasons, this variant has been classified as Pathogenic. Advanced modeling of protein sequence and biophysical properties (such as structural, functional, and spatial information, amino acid conservation, physicochemical variation, residue mobility, and thermodynamic stability) performed at Invitae indicates that this missense variant is expected to disrupt SCN1A protein function. This variant has been observed in individual(s) with clinical features of SCN1A-related conditions (Invitae). In at least one individual the variant was observed to be de novo. This variant is not present in population databases (ExAC no frequency). This sequence change replaces cysteine with tyrosine at codon 1376 of the SCN1A protein (p.Cys1376Tyr). The cysteine residue is highly conserved and there is a large physicochemical difference between cysteine and tyrosine.

NM_001165963.4(SCN1A):c.4127G>A (p.Cys1376Tyr)

Genes: SCN1A (sodium voltage-gated channel alpha subunit 1; minus strand), LOC102724058 (uncharacterized LOC102724058; plus strand). Cytogenetic location: 2q24.3.
Variant type: single nucleotide variant.
Coding change: c.4127G>A on transcript NM_001165963.4 (MANE Select); coding-DNA position 4127, G replaced by A.
Protein change: p.Cys1376Tyr; replaces cysteine 1376 with tyrosine.
Molecular consequence: missense variant. On other transcripts: non-coding transcript variant (1).
Genome position (GRCh38, 1-based): chr2:166,002,629, C>T on the plus strand (G>A on the coding strand, the complement: SCN1A is on the minus strand). VCF-style: chr2-166002629-C-T. GRCh37 (hg19) VCF-style: chr2-166859139-C-T.
Other names: c.4043G>A, p.Cys1348Tyr (NM_001165964.3, NM_001353957.2, NM_001353958.2); c.4127G>A, p.Cys1376Tyr (NM_001202435.3, NM_001353948.2); c.4094G>A, p.Cys1365Tyr (NM_001353949.2, NM_001353950.2, NM_001353951.2 and 2 more transcripts); c.4091G>A, p.Cys1364Tyr (NM_001353954.2, NM_001353955.2); c.4040G>A, p.Cys1347Tyr (NM_001353960.2); c.1685G>A, p.Cys562Tyr (NM_001353961.2); short protein forms C1348Y, C1376Y, C1347Y, C1364Y, C1365Y, C562Y.
Identifiers: ClinVar variation 1389086 (VCV001389086.9), dbSNP rs2105509347, ClinGen allele CA349050358.